The following is an entry in ClinVar:

NM_003361.4(UMOD):c.455C>T (p.Pro152Leu)

Gene: UMOD (uromodulin; minus strand). Cytogenetic location: 16p12.3.
Variant type: single nucleotide variant.
Coding change: c.455C>T on transcript NM_003361.4 (MANE Select); coding-DNA position 455, C replaced by T.
Protein change: p.Pro152Leu; replaces proline 152 with leucine.
Molecular consequence: missense variant. On other transcripts: non-coding transcript variant (1).
Genome position (GRCh38, 1-based): chr16:20,348,846, G>A on the plus strand (C>T on the coding strand, the complement: UMOD is on the minus strand). VCF-style: chr16-20348846-G-A. GRCh37 (hg19) VCF-style: chr16-20360168-G-A.
Other names: c.455C>T, p.Pro152Leu (NM_001008389.3, NM_001378232.1, NM_001378233.1 and 3 more transcripts); c.554C>T, p.Pro185Leu (NM_001278614.2); short protein forms P185L, P152L.
Identifiers: ClinVar variation 2904895 (VCV002904895.3), dbSNP rs1414688923, ClinGen allele CA394985899.

ClinVar aggregate classification (germline): Uncertain significance (1 of 4 stars; one submission).

Allele frequency attached by ClinVar (database versions not stated): gnomAD exomes below 0.00001.
gnomAD v4.1: 3 of 1,547,662 alleles (0.00019%); highest among the groups gnomAD compares: Admixed American, 0.002%; no homozygotes.

Submission:

Labcorp Genetics (formerly Invitae), Labcorp
Classification: Uncertain significance. Last evaluated: 2023-07-03. Review status: criteria provided, single submitter. Criteria: Invitae Variant Classification Sherloc (09022015). Collection method: clinical testing. Allele origin: germline.
Comment: This variant has not been reported in the literature in individuals affected with UMOD-related conditions. Advanced modeling of protein sequence and biophysical properties (such as structural, functional, and spatial information, amino acid conservation, physicochemical variation, residue mobility, and thermodynamic stability) performed at Invitae indicates that this missense variant is not expected to disrupt UMOD protein function. This variant is present in population databases (no rsID available, gnomAD 0.004%). In summary, the available evidence is currently insufficient to determine the role of this variant in disease. Therefore, it has been classified as a Variant of Uncertain Significance. This sequence change replaces proline, which is neutral and non-polar, with leucine, which is neutral and non-polar, at codon 152 of the UMOD protein (p.Pro152Leu).